The following is an entry in ClinVar:

NM_001113378.2(FANCI):c.2996C>G (p.Ser999Cys)

Gene: FANCI (FA complementation group I; plus strand). Cytogenetic location: 15q26.1.
Variant type: single nucleotide variant.
Coding change: c.2996C>G on transcript NM_001113378.2 (MANE Select); coding-DNA position 2996, C replaced by G.
Protein change: p.Ser999Cys; replaces serine 999 with cysteine.
Molecular consequence: missense variant.
Genome position (GRCh38, 1-based): chr15:89,301,432, C>G. VCF-style: chr15-89301432-C-G. GRCh37 (hg19) VCF-style: chr15-89844663-C-G.
Other names: c.2717C>G, p.Ser906Cys (NM_001376910.1); c.2996C>G, p.Ser999Cys (NM_001376911.1); c.2816C>G, p.Ser939Cys (NM_018193.3); short protein forms S906C, S939C, S999C.
Identifiers: ClinVar variation 4807037 (VCV004807037.1).

ClinVar aggregate classification (germline): Uncertain significance (1 of 4 stars; one submission).

Conditions:
Fanconi anemia (FA). Also called: Fanconi's anemia. Identifiers: Orphanet 84, MedGen C0015625, MeSH D005199, MONDO:0019391.

Submission:

Labcorp Genetics (formerly Invitae), Labcorp
Classification: Uncertain significance for Fanconi anemia. Last evaluated: 2025-08-09. Review status: criteria provided, single submitter. Criteria: Invitae Variant Classification Sherloc (09022015). Collection method: clinical testing. Allele origin: germline.
Comment: This sequence change replaces serine, which is neutral and polar, with cysteine, which is neutral and slightly polar, at codon 999 of the FANCI protein (p.Ser999Cys). This variant is not present in population databases (gnomAD no frequency). This variant has not been reported in the literature in individuals affected with FANCI-related conditions. Invitae Evidence Modeling of protein sequence and biophysical properties (such as structural, functional, and spatial information, amino acid conservation, physicochemical variation, residue mobility, and thermodynamic stability) indicates that this missense variant is expected to disrupt FANCI protein function with a positive predictive value of 80%. In summary, the available evidence is currently insufficient to determine the role of this variant in disease. Therefore, it has been classified as a Variant of Uncertain Significance.